The following is an entry in ClinVar:

NM_000212.3(ITGB3):c.1552C>T (p.Gln518Ter)

Gene: ITGB3 (integrin subunit beta 3; plus strand). Cytogenetic location: 17q21.32.
Variant type: single nucleotide variant.
Coding change: c.1552C>T on transcript NM_000212.3 (MANE Select); coding-DNA position 1552, C replaced by T.
Protein change: p.Gln518Ter; replaces glutamine 518 with a stop codon.
Molecular consequence: nonsense.
Genome position (GRCh38, 1-based): chr17:47,292,430, C>T. VCF-style: chr17-47292430-C-T. GRCh37 (hg19) VCF-style: chr17-45369796-C-T.
Other names: NM_000212.3:c.1552C>T; short protein forms Q518*.
Identifiers: ClinVar variation 3775049 (VCV003775049.1).

ClinVar aggregate classification (germline): Pathogenic (3 of 4 stars; one submission).

Conditions:
Glanzmann thrombasthenia. Also called: PLATELET GLYCOPROTEIN IIb-IIIa DEFICIENCY; BLEEDING DISORDER, PLATELET-TYPE, 2; THROMBASTHENIA OF GLANZMANN AND NAEGELI; Thrombasthenia; Glanzmann's thrombasthenia. Identifiers: Orphanet 849, MedGen C0040015, MONDO:0100326.

Submission:

ClinGen Platelet Disorders Variant Curation Expert Panel, ClinGen
Classification: Pathogenic for Glanzmann thrombasthenia. Last evaluated: 2025-03-06. Review status: reviewed by expert panel. Criteria: ClinGen Platelet ACMG Specifications v2-1. Collection method: curation. Allele origin: germline. Inheritance: Autosomal recessive inheritance.
Comment: The NM_000212.3(ITGB3):c.1552C>T (p.Gln518Ter) nonsense variant creates a premature termination codon in exon 10 of 15 and is predicted to cause NMD (PVS1). At least one compound heterozygous patient (DOI: 10.26502/acmcr.96550268) with this variant displayed mucocutaneous bleeding and impaired aggregation with all agonists except ristocetin, which is highly specific for Glanzmann thrombasthenia (PP4_Moderate). Additionally, flow cytometry decreased expression of CD41 (αIIbβ3) at 44% WT levels. The highest population minor allele frequency in gnomAD v4.1 is 0.00003393 (1/29474 alleles) in the Ashkenazi Jewish genetic ancestry group, which is lower than the ClinGen PD VCEP threshold (<0.0001; PM2_Supporting). In summary, this variant meets the criteria to be classified as pathogenic for autosomal recessive Glanzmann Thrombasthenia based on the ACMG/AMP criteria applied, as specified by the ClinGen PD VCEP: PVS1, PM2_Supporting,PP4_Moderate. (VCEP specifications version 2).